The following is an entry in ClinVar:

ClinVar aggregate classification (germline): Uncertain significance. Review status: criteria provided, multiple submitters, no conflicts (2 of 4 stars). 2 submissions from 2 submitters: Uncertain significance (2). Last evaluated 2025-03-03.

Conditions:
Microphthalmia, syndromic 11 (MCOPS11). Identifiers: MedGen C3553077, MONDO:0013734, OMIM 614402.

Allele frequency attached by ClinVar (database versions not stated): ExAC 0.00002; TOPMed 0.00008; gnomAD 0.00009; ESP Exome Variant Server 0.00015.
gnomAD v4.1: 35 of 1,613,626 alleles (0.0022%); highest among the groups gnomAD compares: African/African-American, 0.04%; no homozygotes.

Submissions (2):

Ambry Genetics
Classification: Uncertain significance. Last evaluated: 2025-03-03. Review status: criteria provided, single submitter. Criteria: Ambry Variant Classification Scheme 2023. Collection method: clinical testing. Allele origin: germline.

Labcorp Genetics (formerly Invitae), Labcorp
Classification: Uncertain significance for Microphthalmia, syndromic 11. Last evaluated: 2023-07-03. Review status: criteria provided, single submitter. Criteria: Invitae Variant Classification Sherloc (09022015). Collection method: clinical testing. Allele origin: germline.
Comment: This sequence change replaces lysine, which is basic and polar, with threonine, which is neutral and polar, at codon 27 of the VAX1 protein (p.Lys27Thr). This variant is present in population databases (rs376554237, gnomAD 0.05%). This variant has not been reported in the literature in individuals affected with VAX1-related conditions. Experimental studies and prediction algorithms are not available or were not evaluated, and the functional significance of this variant is currently unknown. In summary, the available evidence is currently insufficient to determine the role of this variant in disease. Therefore, it has been classified as a Variant of Uncertain Significance.

NM_001112704.2(VAX1):c.80A>C (p.Lys27Thr)

Gene: VAX1 (ventral anterior homeobox 1; minus strand). Cytogenetic location: 10q25.3.
Variant type: single nucleotide variant.
Coding change: c.80A>C on transcript NM_001112704.2 (MANE Select); coding-DNA position 80, A replaced by C.
Protein change: p.Lys27Thr; replaces lysine 27 with threonine.
Molecular consequence: missense variant.
Genome position (GRCh38, 1-based): chr10:117,137,977, T>G on the plus strand (A>C on the coding strand, the complement: VAX1 is on the minus strand). VCF-style: chr10-117137977-T-G. GRCh37 (hg19) VCF-style: chr10-118897488-T-G.
Other names: c.80A>C, p.Lys27Thr (NM_199131.3); c.80A>C (NM_001112704.1); short protein forms K27T.
Identifiers: ClinVar variation 2718283 (VCV002718283.4), dbSNP rs376554237, ClinGen allele CA5709780.
Genomic context (GRCh38, chr10:117,137,977, plus strand): 5'-GGCTCCTTGAGGAAGGCGGCTGGGAGGTTCCCCTCCGCGCCCTTGCTCTCCCGACTCTCC[T>G]TGTGCGCGTTCTTCGAGACCCGGGCAGCCTCGGCGTCCGAGTGGCATCGAACGTCCATTT-3'
Protein context (NP_001106175.1, residues 17-37): EAARVSKNAH[Lys27Thr]ESRESKGAEG